The following is an entry in ClinVar:

NM_014232.3(VAMP2):c.197G>A (p.Arg66His)

Gene: VAMP2 (vesicle associated membrane protein 2; minus strand). Cytogenetic location: 17p13.1.
Variant type: single nucleotide variant.
Coding change: c.197G>A on transcript NM_014232.3 (MANE Select); coding-DNA position 197, G replaced by A.
Protein change: p.Arg66His; replaces arginine 66 with histidine.
Molecular consequence: missense variant.
Genome position (GRCh38, 1-based): chr17:8,161,693, C>T on the plus strand (G>A on the coding strand, the complement: VAMP2 is on the minus strand). VCF-style: chr17-8161693-C-T. GRCh37 (hg19) VCF-style: chr17-8065011-C-T.
Other names: c.203G>A, p.Arg68His (NM_001330125.1); short protein forms R66H, R68H.
Identifiers: ClinVar variation 2499259 (VCV002499259.1), dbSNP rs2507691269, ClinGen allele CA397965536.

ClinVar aggregate classification (germline): Uncertain significance (1 of 4 stars; one submission).

Submission:

GeneDx
Classification: Uncertain significance. Last evaluated: 2022-10-14. Review status: criteria provided, single submitter. Criteria: GeneDx Variant Classification Process June 2021. Collection method: clinical testing. Allele origin: germline. Affected: yes.
Comment: Not observed at significant frequency in large population cohorts (gnomAD); In silico analysis supports that this missense variant has a deleterious effect on protein structure/function; Has not been previously published as pathogenic or benign to our knowledge